The following is an entry in ClinVar:

ClinVar aggregate classification (germline): Uncertain significance (1 of 4 stars; one submission).

Conditions:
Inborn genetic diseases. Identifiers: MedGen C0950123, MeSH D030342.

gnomAD v4.1: 1 of 1,612,656 alleles (0.000062%); highest among the groups gnomAD compares: South Asian, 0.0011%; no homozygotes.

Submission:

Ambry Genetics
Classification: Uncertain significance for Inborn genetic diseases. Last evaluated: 2025-09-04. Review status: criteria provided, single submitter. Criteria: Ambry Variant Classification Scheme 2023. Collection method: clinical testing. Allele origin: germline.
Comment: The p.A435T variant (also known as c.1303G>A), located in coding exon 15 of the RTEL1 gene, results from a G to A substitution at nucleotide position 1303. The alanine at codon 435 is replaced by threonine, an amino acid with similar properties. This amino acid position is conserved. In addition, this alteration is predicted to be tolerated by in silico analysis. Based on the available evidence, the clinical significance of this variant remains unclear.

NM_001283009.2(RTEL1):c.1303G>A (p.Ala435Thr)

Genes: RTEL1 (regulator of telomere elongation helicase 1; plus strand), RTEL1-TNFRSF6B (RTEL1-TNFRSF6B readthrough (NMD candidate); plus strand). Cytogenetic location: 20q13.33.
Variant type: single nucleotide variant.
Coding change: c.1303G>A on transcript NM_001283009.2 (MANE Select); coding-DNA position 1303, G replaced by A.
Protein change: p.Ala435Thr; replaces alanine 435 with threonine.
Molecular consequence: missense variant. On other transcripts: non-coding transcript variant (1).
Genome position (GRCh38, 1-based): chr20:63,685,827, G>A. VCF-style: chr20-63685827-G-A. GRCh37 (hg19) VCF-style: chr20-62317180-G-A.
Other names: c.634G>A, p.Ala212Thr (NM_001283010.1); c.1303G>A, p.Ala435Thr (NM_016434.4); c.1375G>A, p.Ala459Thr (NM_032957.5); short protein forms A212T, A435T, A459T.
Identifiers: ClinVar variation 4157723 (VCV004157723.1).